The following is an entry in ClinVar:

NM_007192.4(SUPT16H):c.1353G>A (p.Leu451=)

Gene: SUPT16H (SPT16 homolog, facilitates chromatin remodeling subunit; minus strand). Cytogenetic location: 14q11.2.
Variant type: single nucleotide variant.
Coding change: c.1353G>A on transcript NM_007192.4 (MANE Select); coding-DNA position 1353, G replaced by A.
Protein change: p.Leu451=; no amino-acid change (leucine 451 retained).
Molecular consequence: synonymous variant.
Genome position (GRCh38, 1-based): chr14:21,363,275, C>T on the plus strand (G>A on the coding strand, the complement: SUPT16H is on the minus strand). VCF-style: chr14-21363275-C-T. GRCh37 (hg19) VCF-style: chr14-21831434-C-T.
Identifiers: ClinVar variation 5040407 (VCV005040407.1).
Genomic context (GRCh38, chr14:21,363,275, plus strand): 5'-TTAAAATAGTAAACTTACTCTTGTTCTTTCTGTAAGTAATGCTGCCCGAGAACCTCTTCC[C>T]AAAAGGTCCTCTGCCTCATCTTTCTCCTCCTCCTCTTCTTCCTCATCTTCATTCTATGGA-3'
Protein context (NP_009123.1, residues 441-461): EEEKDEAEDL[Leu451=]GRGSRAALLT

ClinVar aggregate classification (germline): Likely benign (1 of 4 stars; one submission).

Submission:

CeGaT Center for Human Genetics Tuebingen
Classification: Likely benign. Last evaluated: 2026-08-01. Review status: criteria provided, single submitter. Criteria: CeGaT Center For Human Genetics Tuebingen Variant Classification Criteria Version 2. Collection method: clinical testing. Allele origin: germline. Affected: yes. Observed: 1 variant allele.
Comment: SUPT16H: BP4, BP7